The following is an entry in ClinVar:

NM_201384.3(PLEC):c.1402G>C (p.Glu468Gln)

Gene: PLEC (plectin; minus strand). Cytogenetic location: 8q24.3.
Variant type: single nucleotide variant.
Coding change: c.1402G>C on transcript NM_201384.3 (MANE Select); coding-DNA position 1402, G replaced by C.
Protein change: p.Glu468Gln; replaces glutamic acid 468 with glutamine.
Molecular consequence: missense variant.
Genome position (GRCh38, 1-based): chr8:143,933,213, C>G on the plus strand (G>C on the coding strand, the complement: PLEC is on the minus strand). VCF-style: chr8-143933213-C-G. GRCh37 (hg19) VCF-style: chr8-145007381-C-G.
Other names: c.1483G>C, p.Glu495Gln (NM_000445.5, NM_001410941.1); c.1360G>C, p.Glu454Gln (NM_201378.4); c.1336G>C, p.Glu446Gln (NM_201379.3); c.1813G>C, p.Glu605Gln (NM_201380.4); c.1306G>C, p.Glu436Gln (NM_201381.3); c.1402G>C, p.Glu468Gln (NM_201382.4); c.1414G>C, p.Glu472Gln (NM_201383.3); short protein forms E436Q, E446Q, E454Q, E468Q, E472Q, E495Q, E605Q.
Identifiers: ClinVar variation 2434928 (VCV002434928.6), dbSNP rs781951806, ClinGen allele CA4927988.

ClinVar aggregate classification (germline): Uncertain significance. Review status: criteria provided, multiple submitters, no conflicts (2 of 4 stars). 2 submissions from 2 submitters: Uncertain significance (2). Last evaluated 2024-10-16.

Conditions:
Epidermolysis bullosa simplex 5B, with muscular dystrophy (EBS5B). Also called: EPIDERMOLYSIS BULLOSA SIMPLEX AND LIMB-GIRDLE MUSCULAR DYSTROPHY; Epidermolysis bullosa simplex with muscular dystrophy. Identifiers: Orphanet 257, MedGen C2931072, MONDO:0009181, OMIM 226670.
Epidermolysis bullosa simplex with nail dystrophy (EBS5D). Identifiers: MedGen C4225309, MONDO:0014661, OMIM 616487.
Epidermolysis bullosa simplex 5C, with pyloric atresia (EBS5C). Also called: PLEC-Related Epidermolysis Bullosa with Pyloric Atresia; Epidermolysis bullosa simplex with pyloric atresia; PLEC1-Related Epidermolysis Bullosa with Pyloric Atresia. Identifiers: Orphanet 158684, MedGen C2677349, MONDO:0012807, OMIM 612138.
Autosomal recessive limb-girdle muscular dystrophy type 2Q (LGMDR17). Also called: MUSCULAR DYSTROPHY, LIMB-GIRDLE, AUTOSOMAL RECESSIVE 17. Identifiers: Orphanet 254361, MedGen C3150989, MONDO:0013390, OMIM 613723.
Epidermolysis bullosa simplex, Ogna type (EBS5A). Also called: EPIDERMOLYSIS BULLOSA SIMPLEX 5A, OGNA TYPE; Pidermolysis bullosa simplex 5A, Ogna type. Identifiers: Orphanet 79401, MedGen C0432317, MONDO:0007555, OMIM 131950.

gnomAD v4.1: 11 of 1,612,654 alleles (0.00068%); highest among the groups gnomAD compares: South Asian, 0.012%; no homozygotes.

Submissions (2):

Labcorp Genetics (formerly Invitae), Labcorp
Classification: Uncertain significance for Autosomal recessive limb-girdle muscular dystrophy type 2Q; Epidermolysis bullosa simplex, Ogna type; Epidermolysis bullosa simplex with nail dystrophy; Epidermolysis bullosa simplex 5C, with pyloric atresia; Epidermolysis bullosa simplex 5B, with muscular dystrophy. Last evaluated: 2024-10-16. Review status: criteria provided, single submitter. Criteria: Invitae Variant Classification Sherloc (09022015). Collection method: clinical testing. Allele origin: germline.
Comment: This sequence change replaces glutamic acid, which is acidic and polar, with glutamine, which is neutral and polar, at codon 495 of the PLEC protein (p.Glu495Gln). This variant is present in population databases (rs781951806, gnomAD 0.02%). This variant has not been reported in the literature in individuals affected with PLEC-related conditions. ClinVar contains an entry for this variant (Variation ID: 2434928). Experimental studies and prediction algorithms are not available or were not evaluated, and the functional significance of this variant is currently unknown. In summary, the available evidence is currently insufficient to determine the role of this variant in disease. Therefore, it has been classified as a Variant of Uncertain Significance.

Revvity Omics, Revvity
Classification: Uncertain significance. Last evaluated: 2019-10-16. Review status: criteria provided, single submitter. Criteria: ACMG Guidelines, 2015. Collection method: clinical testing. Allele origin: germline.